The following is an entry in ClinVar:

ClinVar aggregate classification (germline): Benign. Review status: criteria provided, multiple submitters, no conflicts (2 of 4 stars). 2 submissions from 2 submitters: Benign (2). Last evaluated 2025-10-19.

Conditions:
Nephrotic syndrome, type 3 (NPHS3). Also called: NEPHROTIC SYNDROME, EARLY-ONSET, TYPE 3. Identifiers: Orphanet 656, MedGen C1853124, MONDO:0012546, OMIM 610725.

Allele frequency attached by ClinVar (database versions not stated): gnomAD 0.00001 and 0.00042; TOPMed 0.00003; gnomAD exomes 0.00087 and 0.00187; ExAC 0.00220; 1000 Genomes Project 30x 0.00312; 1000 Genomes Project 0.00339.
gnomAD v4.1: 1,329 of 1,613,804 alleles (0.082%); highest among the groups gnomAD compares: South Asian, 1.4%; 25 homozygotes.

Submissions (2):

Labcorp Genetics (formerly Invitae), Labcorp
Classification: Benign. Last evaluated: 2025-10-19. Review status: criteria provided, single submitter. Criteria: Invitae Variant Classification Sherloc (09022015). Collection method: clinical testing. Allele origin: germline.

Illumina Laboratory Services, Illumina
Classification: Benign for Nephrotic syndrome, type 3. Last evaluated: 2018-01-13. Review status: criteria provided, single submitter. Criteria: ICSL Variant Classification Criteria 13 December 2019. Collection method: clinical testing. Allele origin: germline.
Comment: This variant was observed in the ICSL laboratory as part of a predisposition screen in an ostensibly healthy population. It had not been previously curated by ICSL or reported in the Human Gene Mutation Database (HGMD: prior to June 1st, 2018), and was therefore a candidate for classification through an automated scoring system. Utilizing variant allele frequency, disease prevalence and penetrance estimates, and inheritance mode, an automated score was calculated to assess if this variant is too frequent to cause the disease. Based on the score and internal cut-off values, a variant classified as benign is not then subjected to further curation. The score for this variant resulted in a classification of benign for this disease.

NM_016341.4(PLCE1):c.664G>C (p.Gly222Arg)

Gene: PLCE1 (phospholipase C epsilon 1; plus strand). Cytogenetic location: 10q23.33.
Variant type: single nucleotide variant.
Coding change: c.664G>C on transcript NM_016341.4 (MANE Select); coding-DNA position 664, G replaced by C.
Protein change: p.Gly222Arg; replaces glycine 222 with arginine.
Molecular consequence: missense variant.
Genome position (GRCh38, 1-based): chr10:94,031,710, G>C. VCF-style: chr10-94031710-G-C. GRCh37 (hg19) VCF-style: chr10-95791467-G-C.
Other names: c.664G>C, p.Gly222Arg (NM_001288989.2); short protein forms G222R.
Identifiers: ClinVar variation 301688 (VCV000301688.12), dbSNP rs373215088, ClinGen allele CA5612159.